The following is an entry in ClinVar:

ClinVar aggregate classification (germline): Uncertain significance. Review status: criteria provided, multiple submitters, no conflicts (2 of 4 stars). 3 submissions from 3 submitters: Uncertain significance (3). Last evaluated 2024-12-02.

Conditions:
Epidermolysis bullosa simplex 5B, with muscular dystrophy (EBS5B). Also called: Epidermolysis bullosa simplex with muscular dystrophy; EPIDERMOLYSIS BULLOSA SIMPLEX AND LIMB-GIRDLE MUSCULAR DYSTROPHY. Identifiers: Orphanet 257, MedGen C2931072, MONDO:0009181, OMIM 226670.
Epidermolysis bullosa simplex, Ogna type (EBS5A). Also called: Pidermolysis bullosa simplex 5A, Ogna type; EPIDERMOLYSIS BULLOSA SIMPLEX 5A, OGNA TYPE. Identifiers: Orphanet 79401, MedGen C0432317, MONDO:0007555, OMIM 131950.
Epidermolysis bullosa simplex with nail dystrophy (EBS5D). Identifiers: MedGen C4225309, MONDO:0014661, OMIM 616487.
Autosomal recessive limb-girdle muscular dystrophy type 2Q (LGMDR17). Also called: MUSCULAR DYSTROPHY, LIMB-GIRDLE, AUTOSOMAL RECESSIVE 17. Identifiers: Orphanet 254361, MedGen C3150989, MONDO:0013390, OMIM 613723.
Epidermolysis bullosa simplex 5C, with pyloric atresia (EBS5C). Also called: PLEC-Related Epidermolysis Bullosa with Pyloric Atresia; Epidermolysis bullosa simplex with pyloric atresia; PLEC1-Related Epidermolysis Bullosa with Pyloric Atresia. Identifiers: Orphanet 158684, MedGen C2677349, MONDO:0012807, OMIM 612138.
Inborn genetic diseases. Identifiers: MedGen C0950123, MeSH D030342.

Allele frequency attached by ClinVar (database versions not stated): gnomAD exomes below 0.00001; ExAC 0.00001; gnomAD 0.00005 and 0.00006; TOPMed 0.00006.
gnomAD v4.1: 26 of 1,614,012 alleles (0.0016%); highest among the groups gnomAD compares: Middle Eastern, 0.016%; no homozygotes.

Submissions (3):

Labcorp Genetics (formerly Invitae), Labcorp
Classification: Uncertain significance for Autosomal recessive limb-girdle muscular dystrophy type 2Q; Epidermolysis bullosa simplex, Ogna type; Epidermolysis bullosa simplex with nail dystrophy; Epidermolysis bullosa simplex 5C, with pyloric atresia; Epidermolysis bullosa simplex 5B, with muscular dystrophy. Last evaluated: 2024-12-02. Review status: criteria provided, single submitter. Criteria: Invitae Variant Classification Sherloc (09022015). Collection method: clinical testing. Allele origin: germline.
Comment: This sequence change replaces threonine, which is neutral and polar, with methionine, which is neutral and non-polar, at codon 2885 of the PLEC protein (p.Thr2885Met). This variant is present in population databases (rs782108020, gnomAD 0.008%). This variant has not been reported in the literature in individuals affected with PLEC-related conditions. ClinVar contains an entry for this variant (Variation ID: 592924). An algorithm developed to predict the effect of missense changes on protein structure and function (PolyPhen-2) suggests that this variant is likely to be disruptive. In summary, the available evidence is currently insufficient to determine the role of this variant in disease. Therefore, it has been classified as a Variant of Uncertain Significance.

Ambry Genetics
Classification: Uncertain significance for Inborn genetic diseases. Last evaluated: 2023-10-27. Review status: criteria provided, single submitter. Criteria: Ambry Variant Classification Scheme 2023. Collection method: clinical testing. Allele origin: germline.

Eurofins Ntd Llc (ga)
Classification: Uncertain significance. Last evaluated: 2018-02-09. Review status: criteria provided, single submitter. Criteria: EGL ClinVar v180209 classification definitions. Collection method: clinical testing. Allele origin: germline. Observed: 2 variant alleles, 2 heterozygotes.

NM_201384.3(PLEC):c.8573C>T (p.Thr2858Met)

Gene: PLEC (plectin; minus strand). Cytogenetic location: 8q24.3.
Variant type: single nucleotide variant.
Coding change: c.8573C>T on transcript NM_201384.3 (MANE Select); coding-DNA position 8573, C replaced by T.
Protein change: p.Thr2858Met; replaces threonine 2858 with methionine.
Molecular consequence: missense variant.
Genome position (GRCh38, 1-based): chr8:143,921,248, G>A on the plus strand (C>T on the coding strand, the complement: PLEC is on the minus strand). VCF-style: chr8-143921248-G-A. GRCh37 (hg19) VCF-style: chr8-144995416-G-A.
Other names: c.8654C>T (NM_000445.3); c.8654C>T, p.Thr2885Met (NM_000445.5); c.8531C>T, p.Thr2844Met (NM_201378.4); c.8507C>T, p.Thr2836Met (NM_201379.3); c.8984C>T, p.Thr2995Met (NM_201380.4); c.8477C>T, p.Thr2826Met (NM_201381.3); c.8573C>T, p.Thr2858Met (NM_201382.4); c.8585C>T, p.Thr2862Met (NM_201383.3); short protein forms T2844M, T2995M, T2862M, T2885M, T2826M, T2836M, T2858M.
Identifiers: ClinVar variation 592924 (VCV000592924.13), dbSNP rs782108020, ClinGen allele CA4925265.